The following is an entry in ClinVar:

NM_053025.4(MYLK):c.1026del (p.Ser343fs)

Gene: MYLK (myosin light chain kinase; minus strand). Cytogenetic location: 3q21.1.
Variant type: Deletion.
Coding change: c.1026del on transcript NM_053025.4 (MANE Select); coding-DNA position 1026, one base deleted (C; older notation c.1026delC).
Protein change: p.Ser343fs; shifts the reading frame from serine 343.
Molecular consequence: frameshift variant.
Genome position (GRCh38, 1-based): chr3:123,733,970, G deleted on the plus strand (C on the coding strand, the reverse complement: MYLK is on the minus strand); the first of 2 consecutive G bases (chr3:123,733,970-123,733,971); deleting either gives the same sequence. VCF-style (leftmost placement, unchanged base first): chr3-123733969-TG-T. GRCh37 (hg19) VCF-style: chr3-123452816-TG-T.
Other names: c.1026delC (NM_053025.4); c.498del, p.Ser167fs (NM_001321309.2); c.1026del, p.Ser343fs (NM_053026.4, NM_053027.4, NM_053028.4); short protein forms S167fs, S343fs.
Identifiers: ClinVar variation 4847770 (VCV004847770.1).
Genomic context (GRCh38, chr3:123,733,969, plus strand): 5'-CCCCCAGGCCTGGTGCTCTTGGTTCCGGCTGAACTCTTGCGGCCTGCAGGGTGATGGAGC[TG>T]GAAGTCTTCTGAAGGACCGGGGTCTGCGGGGCCGTTCTGGGCGAGTCCTTGCATGACTCC-3'

ClinVar aggregate classification (germline): Pathogenic (1 of 4 stars; one submission).

Conditions:
Familial aortopathy. Identifiers: MedGen CN078214.

Submission:

Women's Health and Genetics/Laboratory Corporation of America, LabCorp
Classification: Pathogenic for Familial aortopathy. Last evaluated: 2026-03-23. Review status: criteria provided, single submitter. Criteria: LabCorp Variant Classification Summary - May 2015. Collection method: clinical testing. Allele origin: germline.
Comment: Variant summary: MYLK c.1026delC (p.Ser343AlafsX53) results in a premature termination codon, predicted to cause a truncation of the encoded protein or absence of the protein due to nonsense mediated decay, which are commonly known mechanisms for disease. Loss of function variants in this gene are known to be pathogenic. The variant was absent in 249112 control chromosomes. To our knowledge, no occurrence of c.1026delC in individuals affected with MYLK-related conditions and no experimental evidence demonstrating its impact on protein function have been reported. No submitters have cited clinical-significance assessments for this variant to ClinVar. Based on the evidence outlined above, the variant was classified as pathogenic.